The following is an entry in ClinVar:

NM_003872.3(NRP2):c.2425+9503C>A

Gene: NRP2 (neuropilin 2; plus strand). Cytogenetic location: 2q33.3.
Variant type: single nucleotide variant.
Coding change: c.2425+9503C>A on transcript NM_003872.3 (MANE Select); 9503 bases into the intron after coding-DNA position 2425, C replaced by A.
Molecular consequence: intron variant. On other transcripts: missense variant (2).
Genome position (GRCh38, 1-based): chr2:205,776,306, C>A. VCF-style: chr2-205776306-C-A. GRCh37 (hg19) VCF-style: chr2-206641030-C-A.
Other names: c.2501C>A, p.Pro834Gln (NM_018534.4); c.2486C>A, p.Pro829Gln (NM_201267.2); c.2440+9488C>A (NM_201266.2); c.2425+9503C>A (NM_201279.2); short protein forms P829Q, P834Q.
Identifiers: ClinVar variation 4989675 (VCV004989675.1).

ClinVar aggregate classification (germline): Uncertain significance (1 of 4 stars; one submission).

Conditions:
NRP2-related disorder. Also called: NRP2-related condition.

gnomAD v4.1: 4 of 1,613,264 alleles (0.00025%); highest among the groups gnomAD compares: Admixed American, 0.0067%; no homozygotes.

Submission:

PreventionGenetics, part of Exact Sciences
Classification: Uncertain significance for NRP2-related condition. Last evaluated: 2025-06-03. Review status: criteria provided, single submitter. Criteria: ACMG Guidelines, 2015. Collection method: clinical testing. Allele origin: germline.
Comment: The NRP2 c.2486C>A variant is predicted to result in the amino acid substitution p.Pro829Gln. To our knowledge, this variant has not been reported in the literature. This variant is reported in 0.012% of alleles in individuals of Latino descent in gnomAD. At this time, the clinical significance of this variant is uncertain due to the absence of conclusive functional and genetic evidence.